The following is an entry in ClinVar:

ClinVar aggregate classification (germline): Uncertain significance (1 of 4 stars; one submission).

Conditions:
Hereditary cancer-predisposing syndrome. Also called: Tumor predisposition; Hereditary Cancer Syndrome; Neoplastic Syndromes, Hereditary; Hereditary neoplastic syndrome. Identifiers: Orphanet 140162, MedGen C0027672, MeSH D009386, MONDO:0015356.

Submission:

Ambry Genetics
Classification: Uncertain significance for Hereditary cancer-predisposing syndrome. Last evaluated: 2021-12-18. Review status: criteria provided, single submitter. Criteria: Ambry Variant Classification Scheme 2023. Collection method: clinical testing. Allele origin: germline.
Comment: The p.D907E variant (also known as c.2721T>A), located in coding exon 17 of the RAD50 gene, results from a T to A substitution at nucleotide position 2721. The aspartic acid at codon 907 is replaced by glutamic acid, an amino acid with highly similar properties. This amino acid position is conserved. In addition, this alteration is predicted to be tolerated by in silico analysis. Since supporting evidence is limited at this time, the clinical significance of this alteration remains unclear.

NM_005732.4(RAD50):c.2721T>A (p.Asp907Glu)

Gene: RAD50 (RAD50 double strand break repair protein; plus strand). Cytogenetic location: 5q31.1.
Variant type: single nucleotide variant.
Coding change: c.2721T>A on transcript NM_005732.4 (MANE Select); coding-DNA position 2721, T replaced by A.
Protein change: p.Asp907Glu; replaces aspartic acid 907 with glutamic acid.
Molecular consequence: missense variant.
Genome position (GRCh38, 1-based): chr5:132,608,617, T>A. VCF-style: chr5-132608617-T-A. GRCh37 (hg19) VCF-style: chr5-131944309-T-A.
Other names: short protein forms D907E.
Identifiers: ClinVar variation 1795201 (VCV001795201.2), dbSNP rs2479369876, ClinGen allele CA360958470.